The following is an entry in ClinVar:

ClinVar aggregate classification (germline): Uncertain significance (1 of 4 stars; one submission).

Conditions:
Baller-Gerold syndrome (BGS). Also called: CRANIOSYNOSTOSIS WITH RADIAL DEFECTS. Identifiers: Orphanet 1225, MedGen C0265308, MONDO:0009039, OMIM 218600.

gnomAD v4.1: 2 of 1,612,770 alleles (0.00012%); highest among the groups gnomAD compares: African/African-American, 0.0027%; no homozygotes.

Submission:

Labcorp Genetics (formerly Invitae), Labcorp
Classification: Uncertain significance for Baller-Gerold syndrome. Last evaluated: 2023-04-06. Review status: criteria provided, single submitter. Criteria: Invitae Variant Classification Sherloc (09022015). Collection method: clinical testing. Allele origin: germline.
Comment: This sequence change replaces serine, which is neutral and polar, with threonine, which is neutral and polar, at codon 445 of the RECQL4 protein (p.Ser445Thr). In summary, the available evidence is currently insufficient to determine the role of this variant in disease. Therefore, it has been classified as a Variant of Uncertain Significance. Advanced modeling of protein sequence and biophysical properties (such as structural, functional, and spatial information, amino acid conservation, physicochemical variation, residue mobility, and thermodynamic stability) performed at Invitae indicates that this missense variant is not expected to disrupt RECQL4 protein function. ClinVar contains an entry for this variant (Variation ID: 951457). This variant has not been reported in the literature in individuals affected with RECQL4-related conditions. This variant is not present in population databases (gnomAD no frequency).

NM_004260.4(RECQL4):c.1334G>C (p.Ser445Thr)

Gene: RECQL4 (RecQ like helicase 4; minus strand). Cytogenetic location: 8q24.3.
Variant type: single nucleotide variant.
Coding change: c.1334G>C on transcript NM_004260.4 (MANE Select); coding-DNA position 1334, G replaced by C.
Protein change: p.Ser445Thr; replaces serine 445 with threonine.
Molecular consequence: missense variant.
Genome position (GRCh38, 1-based): chr8:144,515,382, C>G on the plus strand (G>C on the coding strand, the complement: RECQL4 is on the minus strand). VCF-style: chr8-144515382-C-G. GRCh37 (hg19) VCF-style: chr8-145740766-C-G.
Other names: short protein forms S445T.
Identifiers: ClinVar variation 951457 (VCV000951457.4), dbSNP rs747571861, ClinGen allele CA372685600.